The following is an entry in ClinVar:

ClinVar aggregate classification (germline): Uncertain significance (1 of 4 stars; one submission).

Conditions:
Neuropathy, hereditary sensory and autonomic, type 2A (HSAN2A). Also called: ACROOSTEOLYSIS, GIACCAI TYPE; ACROOSTEOLYSIS, NEUROGENIC; MORVAN DISEASE; NEUROPATHY, CONGENITAL SENSORY; NEUROPATHY, HEREDITARY SENSORY RADICULAR, AUTOSOMAL RECESSIVE; NEUROPATHY, HEREDITARY SENSORY, TYPE IIA. Identifiers: Orphanet 970, MedGen C2752089, MONDO:0024309, OMIM 201300.
Pseudohypoaldosteronism type 2C (PHA2C). Also called: Pseudohypoaldosteronism Type IIC. Identifiers: Orphanet 757, Orphanet 88940, MedGen C1840391, MONDO:0013778, OMIM 614492.

Allele frequency attached by ClinVar (database versions not stated): gnomAD exomes below 0.00001; ExAC 0.00002; TOPMed 0.00003; gnomAD 0.00005.
gnomAD v4.1: 10 of 1,614,108 alleles (0.00062%); highest among the groups gnomAD compares: African/African-American, 0.011%; no homozygotes.

Submission:

Labcorp Genetics (formerly Invitae), Labcorp
Classification: Uncertain significance for Neuropathy, hereditary sensory and autonomic, type 2A; Pseudohypoaldosteronism type 2C. Last evaluated: 2025-11-21. Review status: criteria provided, single submitter. Criteria: Invitae Variant Classification Sherloc (09022015). Collection method: clinical testing. Allele origin: germline.
Comment: This sequence change replaces isoleucine, which is neutral and non-polar, with valine, which is neutral and non-polar, at codon 1424 of the WNK1 protein (p.Ile1424Val). This variant is present in population databases (rs780023691, gnomAD 0.03%). This variant has not been reported in the literature in individuals affected with WNK1-related conditions. ClinVar contains an entry for this variant (Variation ID: 2158233). Invitae Evidence Modeling of protein sequence and biophysical properties (such as structural, functional, and spatial information, amino acid conservation, physicochemical variation, residue mobility, and thermodynamic stability) indicates that this missense variant is not expected to disrupt WNK1 protein function with a negative predictive value of 95%. In summary, the available evidence is currently insufficient to determine the role of this variant in disease. Therefore, it has been classified as a Variant of Uncertain Significance.

NM_018979.4(WNK1):c.3514A>G (p.Ile1172Val)

Gene: WNK1 (WNK lysine deficient protein kinase 1; plus strand). Cytogenetic location: 12p13.33.
Variant type: single nucleotide variant.
Coding change: c.3514A>G on transcript NM_018979.4 (MANE Select); coding-DNA position 3514, A replaced by G.
Protein change: p.Ile1172Val; replaces isoleucine 1172 with valine.
Molecular consequence: missense variant.
Genome position (GRCh38, 1-based): chr12:883,419, A>G. VCF-style: chr12-883419-A-G. GRCh37 (hg19) VCF-style: chr12-992585-A-G.
Other names: c.4294A>G, p.Ile1432Val (NM_001184985.2); c.2773A>G, p.Ile925Val (NM_014823.3); c.4270A>G, p.Ile1424Val (NM_213655.5); short protein forms I1432V, I1172V, I925V, I1424V.
Identifiers: ClinVar variation 2158233 (VCV002158233.4), dbSNP rs780023691, ClinGen allele CA6382796.